The following is an entry in ClinVar:

ClinVar aggregate classification (germline): Uncertain significance (1 of 4 stars; one submission).

Submission:

Labcorp Genetics (formerly Invitae), Labcorp
Classification: Uncertain significance. Last evaluated: 2024-02-17. Review status: criteria provided, single submitter. Criteria: Invitae Variant Classification Sherloc (09022015). Collection method: clinical testing. Allele origin: germline.
Comment: This sequence change replaces isoleucine, which is neutral and non-polar, with leucine, which is neutral and non-polar, at codon 1988 of the FN1 protein (p.Ile1988Leu). This variant is not present in population databases (gnomAD no frequency). This variant has not been reported in the literature in individuals affected with FN1-related conditions. An algorithm developed to predict the effect of missense changes on protein structure and function (PolyPhen-2) suggests that this variant is likely to be tolerated. In summary, the available evidence is currently insufficient to determine the role of this variant in disease. Therefore, it has been classified as a Variant of Uncertain Significance.

NM_212482.4(FN1):c.5962A>C (p.Ile1988Leu)

Genes: FN1 (fibronectin 1; minus strand), LOC126806496 (CDK7 strongly-dependent group 2 enhancer GRCh37_chr2:216240057-216241256; plus strand). Cytogenetic location: 2q35.
Variant type: single nucleotide variant.
Coding change: c.5962A>C on transcript NM_212482.4 (MANE Select); coding-DNA position 5962, A replaced by C.
Protein change: p.Ile1988Leu; replaces isoleucine 1988 with leucine.
Molecular consequence: missense variant.
Genome position (GRCh38, 1-based): chr2:215,375,644, T>G on the plus strand (A>C on the coding strand, the complement: FN1 is on the minus strand). VCF-style: chr2-215375644-T-G. GRCh37 (hg19) VCF-style: chr2-216240367-T-G.
Other names: c.5962A>C, p.Ile1988Leu (NM_001306129.2); c.5692A>C, p.Ile1898Leu (NM_001306130.2, NM_001365517.2, NM_001365519.2 and 2 more transcripts); c.5419A>C, p.Ile1807Leu (NM_001306131.2, NM_001306132.2, NM_001365523.2 and 2 more transcripts); c.5689A>C, p.Ile1897Leu (NM_001365518.2, NM_001365520.2, NM_001365524.2 and 2 more transcripts); short protein forms I1897L, I1807L, I1898L, I1988L.
Identifiers: ClinVar variation 3639766 (VCV003639766.2).